The following is an entry in ClinVar:

NM_000186.4(CFH):c.134G>T (p.Gly45Val)

Gene: CFH (complement factor H; plus strand). Cytogenetic location: 1q31.3.
Variant type: single nucleotide variant.
Coding change: c.134G>T on transcript NM_000186.4 (MANE Select); coding-DNA position 134, G replaced by T.
Protein change: p.Gly45Val; replaces glycine 45 with valine.
Molecular consequence: missense variant.
Genome position (GRCh38, 1-based): chr1:196,673,053, G>T. VCF-style: chr1-196673053-G-T. GRCh37 (hg19) VCF-style: chr1-196642183-G-T.
Other names: c.134G>T, p.Gly45Val (NM_001014975.3); short protein forms G45V.
Identifiers: ClinVar variation 3601996 (VCV003601996.1).
Genomic context (GRCh38, chr1:196,673,053, plus strand): 5'-CTCCAAGAAGAAATACAGAAATTCTGACAGGTTCCTGGTCTGACCAAACATATCCAGAAG[G>T]CACCCAGGCTATCTATAAATGCCGCCCTGGATATAGATCTCTTGGAAATGTAATAATGGT-3'
Protein context (NP_000177.2, residues 35-55): GSWSDQTYPE[Gly45Val]TQAIYKCRPG

ClinVar aggregate classification (germline): Uncertain significance (1 of 4 stars; one submission).

Conditions:
Hemolytic uremic syndrome, atypical, susceptibility to, 1. Also called: AHUS, SUSCEPTIBILITY TO, 1. Identifiers: Orphanet 2134, Orphanet 90038, MedGen C2749604, MONDO:0009335, OMIM 235400. Disease mechanism: Other.

Submission:

MVZ Medizinische Genetik Mainz
Classification: Uncertain significance for Hemolytic uremic syndrome, atypical, susceptibility to, 1. Last evaluated: 2025-01-08. Review status: criteria provided, single submitter. Criteria: UK Practice Guidelines For Variant Classification V4 01 2020. Collection method: clinical testing. Allele origin: germline. Inheritance: Autosomal dominant inheritance. Affected: yes. Observed: 1 variant allele.
Comment: ACMG Criteria: PM1_SUP,PM2_SUP,PP4